The following is an entry in ClinVar:

NM_152564.5(VPS13B):c.2897A>G (p.Tyr966Cys)

Gene: VPS13B (vacuolar protein sorting 13 homolog B; plus strand). Cytogenetic location: 8q22.2.
Variant type: single nucleotide variant.
Coding change: c.2897A>G on transcript NM_152564.5 (MANE Select); coding-DNA position 2897, A replaced by G.
Protein change: p.Tyr966Cys; replaces tyrosine 966 with cysteine.
Molecular consequence: missense variant.
Genome position (GRCh38, 1-based): chr8:99,384,280, A>G. VCF-style: chr8-99384280-A-G. GRCh37 (hg19) VCF-style: chr8-100396508-A-G.
Other names: c.2897A>G, p.Tyr966Cys (NM_017890.5); short protein forms Y966C.
Identifiers: ClinVar variation 1429642 (VCV001429642.5), dbSNP rs779809192, ClinGen allele CA4823084.

ClinVar aggregate classification (germline): Uncertain significance (1 of 4 stars; one submission).

Conditions:
Cohen syndrome (COH1). Also called: Cutis verticis gyrata, retinitis pigmentosa, and sensorineural deafness; PEPPER SYNDROME. Identifiers: Orphanet 193, MedGen C0265223, MONDO:0008999, OMIM 216550.

Allele frequency attached by ClinVar (database versions not stated): ExAC 0.00001; gnomAD exomes 0.00001; TOPMed 0.00001.
gnomAD v4.1: 11 of 1,614,010 alleles (0.00068%); highest among the groups gnomAD compares: Middle Eastern, 0.017%; no homozygotes.

Submission:

Labcorp Genetics (formerly Invitae), Labcorp
Classification: Uncertain significance for Cohen syndrome. Last evaluated: 2024-07-22. Review status: criteria provided, single submitter. Criteria: Invitae Variant Classification Sherloc (09022015). Collection method: clinical testing. Allele origin: germline.
Comment: This sequence change replaces tyrosine, which is neutral and polar, with cysteine, which is neutral and slightly polar, at codon 966 of the VPS13B protein (p.Tyr966Cys). This variant is present in population databases (rs779809192, gnomAD 0.0009%). This variant has not been reported in the literature in individuals affected with VPS13B-related conditions. ClinVar contains an entry for this variant (Variation ID: 1429642). Advanced modeling of protein sequence and biophysical properties (such as structural, functional, and spatial information, amino acid conservation, physicochemical variation, residue mobility, and thermodynamic stability) performed at Invitae indicates that this missense variant is not expected to disrupt VPS13B protein function with a negative predictive value of 80%. In summary, the available evidence is currently insufficient to determine the role of this variant in disease. Therefore, it has been classified as a Variant of Uncertain Significance.